The following is an entry in ClinVar:

NM_001987.5(ETV6):c.466_467dup (p.Asn156fs)

Gene: ETV6 (ETS variant transcription factor 6; plus strand). Cytogenetic location: 12p13.2.
Variant type: Duplication.
Coding change: c.466_467dup on transcript NM_001987.5 (MANE Select); coding-DNA positions 466 to 467, 2 bases duplicated (AA; older notation c.466_467dupAA).
Protein change: p.Asn156fs; shifts the reading frame from asparagine 156.
Molecular consequence: frameshift variant.
Genome position (GRCh38, 1-based): chr12:11,869,426-11,869,427, AA duplicated. VCF-style (leftmost placement, unchanged base first): chr12-11869425-T-TAA. GRCh37 (hg19) VCF-style: chr12-12022359-T-TAA.
Other names: c.463_464dup, p.Asn155fs (NM_001413913.1); c.439_440dup, p.Asn147fs (NM_001413914.1); c.202_203dup, p.Asn68fs (NM_001413915.1); c.466_467dup, p.Asn156fs (NM_001413916.1, NM_001413917.1); short protein forms N147fs, N156fs, N68fs, N155fs.
Identifiers: ClinVar variation 3644474 (VCV003644474.2).

ClinVar aggregate classification (germline): Pathogenic (1 of 4 stars; one submission).

Submission:

Labcorp Genetics (formerly Invitae), Labcorp
Classification: Pathogenic. Last evaluated: 2025-04-07. Review status: criteria provided, single submitter. Criteria: Invitae Variant Classification Sherloc (09022015). Collection method: clinical testing. Allele origin: germline.
Comment: This sequence change creates a premature translational stop signal (p.Asn156Lysfs*54) in the ETV6 gene. It is expected to result in an absent or disrupted protein product. Loss-of-function variants in ETV6 are known to be pathogenic (PMID: 26102509, 27365488, 29034503). This variant is not present in population databases (gnomAD no frequency). This variant has not been reported in the literature in individuals affected with ETV6-related conditions. ClinVar contains an entry for this variant (Variation ID: 3644474). For these reasons, this variant has been classified as Pathogenic.

Literature cited by the submitters: PubMed 26102509; PubMed 27365488; PubMed 29034503.